The following is an entry in ClinVar:

ClinVar aggregate classification (germline): Uncertain significance (1 of 4 stars; one submission).

Conditions:
Glomerulopathy with fibronectin deposits 2 (GFND2). Identifiers: Orphanet 84090, MedGen C1866075, MONDO:0011165, OMIM 601894.

Submission:

Neuberg Centre For Genomic Medicine, NCGM
Classification: Uncertain significance for Glomerulopathy with fibronectin deposits 2. Review status: criteria provided, single submitter. Criteria: ACMG Guidelines, 2015. Collection method: clinical testing. Allele origin: germline. Inheritance: Autosomal dominant inheritance. Affected: yes.
Comment: The missense variant in c.505A>G(p.Lys169Glu) in INF2 gene has not been reported previously as a pathogenic variant nor as a benign variant, to our knowledge. The p.Lys169Glu variant is novel (not in any individuals) in gnomAD Exomes and 1000 Genomes. The amino acid Lysine at position 169 is changed to a Glutamic acid changing protein sequence and it might alter its composition and physico-chemical properties. The variant is predicted to be damaging by both SIFT and PolyPhen2. The residue is conserved across species. For these reasons, this variant has been classified as Uncertain Significance.

NM_022489.4(INF2):c.505A>G (p.Lys169Glu)

Gene: INF2 (inverted formin 2; plus strand). Cytogenetic location: 14q32.33.
Variant type: single nucleotide variant.
Coding change: c.505A>G on transcript NM_022489.4 (MANE Select); coding-DNA position 505, A replaced by G.
Protein change: p.Lys169Glu; replaces lysine 169 with glutamic acid.
Molecular consequence: missense variant.
Genome position (GRCh38, 1-based): chr14:104,703,218, A>G. VCF-style: chr14-104703218-A-G. GRCh37 (hg19) VCF-style: chr14-105169555-A-G.
Other names: c.505A>G, p.Lys169Glu (NM_001031714.4, NM_032714.3); short protein forms K169E.
Identifiers: ClinVar variation 2585223 (VCV002585223.1), dbSNP rs2504242059, ClinGen allele CA391213109.